The following is an entry in ClinVar:

ClinVar aggregate classification (germline): Uncertain significance (1 of 4 stars; one submission).

Conditions:
POLD1-related polyposis and colorectal cancer syndrome (CRCS10). Also called: Colorectal cancer 10; COLORECTAL CANCER, SUSCEPTIBILITY TO, ON CHROMOSOME 19q; Colorectal cancer, susceptibility to, 10. Identifiers: Orphanet 220460, MedGen C2675481, MONDO:0012953, OMIM 612591.

Submission:

Labcorp Genetics (formerly Invitae), Labcorp
Classification: Uncertain significance for POLD1-related polyposis and colorectal cancer syndrome. Last evaluated: 2022-04-01. Review status: criteria provided, single submitter. Criteria: Invitae Variant Classification Sherloc (09022015). Collection method: clinical testing. Allele origin: germline.
Comment: In summary, the available evidence is currently insufficient to determine the role of this variant in disease. Therefore, it has been classified as a Variant of Uncertain Significance. Algorithms developed to predict the effect of sequence changes on RNA splicing suggest that this variant may disrupt the consensus splice site. This variant has not been reported in the literature in individuals affected with POLD1-related conditions. This variant is not present in population databases (gnomAD no frequency). This sequence change affects an acceptor splice site in intron 21 of the POLD1 gene. Missense variants that disrupt the 3'-5' exonuclease (proof-reading) activity of the POLD1 protein are associated with an increased risk for colonic adenomatous polyps and colon cancer (PMID: 23263490, 23447401). However, loss-of-function variants that result in an absent or severely disrupted POLD1 protein, and missense variants outside the exonuclease domain, are unlikely to be associated with polyposis or colon cancer.

Literature cited by the submitters: PubMed 23263490; PubMed 23447401.

NM_002691.4(POLD1):c.2718-1G>A

Gene: POLD1 (DNA polymerase delta 1, catalytic subunit; plus strand). Cytogenetic location: 19q13.33.
Variant type: single nucleotide variant.
Coding change: c.2718-1G>A on transcript NM_002691.4 (MANE Select); the canonical splice acceptor site of the intron before coding-DNA position 2718, G replaced by A.
Molecular consequence: splice acceptor variant.
Genome position (GRCh38, 1-based): chr19:50,415,723, G>A. VCF-style: chr19-50415723-G-A. GRCh37 (hg19) VCF-style: chr19-50918980-G-A.
Other names: c.2718-1G>A (NM_001256849.1); c.2796-1G>A (NM_001308632.1).
Identifiers: ClinVar variation 2120617 (VCV002120617.4), dbSNP rs2514057229, ClinGen allele CA406985789.